The following is an entry in ClinVar:

NM_001243133.2(NLRP3):c.1904T>C (p.Met635Thr)

Gene: NLRP3 (NLR family pyrin domain containing 3; plus strand). Cytogenetic location: 1q44.
Variant type: single nucleotide variant.
Coding change: c.1904T>C on transcript NM_001243133.2 (MANE Select); coding-DNA position 1904, T replaced by C.
Protein change: p.Met635Thr; replaces methionine 635 with threonine.
Molecular consequence: missense variant.
Genome position (GRCh38, 1-based): chr1:247,425,353, T>C. VCF-style: chr1-247425353-T-C. GRCh37 (hg19) VCF-style: chr1-247588655-T-C.
Other names: c.1904T>C, p.Met635Thr (NM_001079821.3, NM_001127461.3, NM_001127462.3 and 1 more transcripts); c.1910T>C, p.Met637Thr (NM_004895.5); short protein forms M635T, M637T.
Identifiers: ClinVar variation 1721980 (VCV001721980.5), dbSNP rs2527276455, ClinGen allele CA345558084.

ClinVar aggregate classification (germline): Uncertain significance (1 of 4 stars; one submission).

Conditions:
Cryopyrin associated periodic syndrome (CAPS). Identifiers: Orphanet 208650, MedGen C2316212, MONDO:0016168.

Submission:

Labcorp Genetics (formerly Invitae), Labcorp
Classification: Uncertain significance for Cryopyrin associated periodic syndrome. Last evaluated: 2022-11-04. Review status: criteria provided, single submitter. Criteria: Invitae Variant Classification Sherloc (09022015). Collection method: clinical testing. Allele origin: germline.
Comment: In summary, the available evidence is currently insufficient to determine the role of this variant in disease. Therefore, it has been classified as a Variant of Uncertain Significance. Algorithms developed to predict the effect of missense changes on protein structure and function (SIFT, PolyPhen-2, Align-GVGD) all suggest that this variant is likely to be tolerated. This variant has not been reported in the literature in individuals affected with NLRP3-related conditions. This variant is not present in population databases (gnomAD no frequency). This sequence change replaces methionine, which is neutral and non-polar, with threonine, which is neutral and polar, at codon 637 of the NLRP3 protein (p.Met637Thr).